The following is an entry in ClinVar:

NM_000455.5(STK11):c.1285G>A (p.Ala429Thr)

Gene: STK11 (serine/threonine kinase 11; plus strand). Cytogenetic location: 19p13.3.
Variant type: single nucleotide variant.
Coding change: c.1285G>A on transcript NM_000455.5 (MANE Select); coding-DNA position 1285, G replaced by A.
Protein change: p.Ala429Thr; replaces alanine 429 with threonine.
Molecular consequence: missense variant.
Genome position (GRCh38, 1-based): chr19:1,226,630, G>A. VCF-style: chr19-1226630-G-A. GRCh37 (hg19) VCF-style: chr19-1226629-G-A.
Other names: short protein forms A429T.
Identifiers: ClinVar variation 1768954 (VCV001768954.7), dbSNP rs1371667554, ClinGen allele CA402954224.
Genomic context (GRCh38, chr19:1,226,630, plus strand): 5'-CGGGCCCCCAACCCTGCCCGCAAGGCCTGCTCCGCCAGCAGCAAGATCCGCCGGCTGTCG[G>A]CCTGCAAGCAGCAGTGAGGCTGGCCGCCTGCAGGTGGGGCGCGGCGGGGCCCGGGTGGGG-3'
Protein context (NP_000446.1, residues 419-433): SASSKIRRLS[Ala429Thr]CKQQ

ClinVar aggregate classification (germline): Uncertain significance. Review status: criteria provided, multiple submitters, no conflicts (2 of 4 stars). 2 submissions from 2 submitters: Uncertain significance (2). Last evaluated 2024-12-22.

Conditions:
Peutz-Jeghers syndrome (PJS). Also called: POLYPOSIS, HAMARTOMATOUS INTESTINAL; POLYPS-AND-SPOTS SYNDROME; Peutz-Jeghers polyposis; Periorificial lentiginosis syndrome. Identifiers: Orphanet 2869, MedGen C0031269, MeSH D010580, MONDO:0008280, OMIM 175200.
Hereditary cancer-predisposing syndrome. Also called: Tumor predisposition; Neoplastic Syndromes, Hereditary; Hereditary Cancer Syndrome; Hereditary neoplastic syndrome. Identifiers: Orphanet 140162, MedGen C0027672, MeSH D009386, MONDO:0015356.

Allele frequency attached by ClinVar (database versions not stated): gnomAD exomes below 0.00001.
gnomAD v4.1: 1 of 1,541,680 alleles (0.000065%); highest among the groups gnomAD compares: South Asian, 0.0012%; no homozygotes.

Submissions (2):

Labcorp Genetics (formerly Invitae), Labcorp
Classification: Uncertain significance for Peutz-Jeghers syndrome. Last evaluated: 2024-12-22. Review status: criteria provided, single submitter. Criteria: Invitae Variant Classification Sherloc (09022015). Collection method: clinical testing. Allele origin: germline.
Comment: This sequence change replaces alanine, which is neutral and non-polar, with threonine, which is neutral and polar, at codon 429 of the STK11 protein (p.Ala429Thr). This variant is not present in population databases (gnomAD no frequency). This variant has not been reported in the literature in individuals affected with STK11-related conditions. ClinVar contains an entry for this variant (Variation ID: 1768954). Invitae Evidence Modeling of protein sequence and biophysical properties (such as structural, functional, and spatial information, amino acid conservation, physicochemical variation, residue mobility, and thermodynamic stability) indicates that this missense variant is not expected to disrupt STK11 protein function with a negative predictive value of 95%. In summary, the available evidence is currently insufficient to determine the role of this variant in disease. Therefore, it has been classified as a Variant of Uncertain Significance.

Ambry Genetics
Classification: Uncertain significance for Hereditary cancer-predisposing syndrome. Last evaluated: 2015-12-23. Review status: criteria provided, single submitter. Criteria: Ambry Variant Classification Scheme 2023. Collection method: clinical testing. Allele origin: germline.
Comment: The p.A429T variant (also known as c.1285G>A), located in coding exon 9 of the STK11 gene, results from a G to A substitution at nucleotide position 1285. The alanine at codon 429 is replaced by threonine, an amino acid with similar properties. This variant was not reported in population based cohorts in the following databases: Database of Single Nucleotide Polymorphisms (dbSNP), NHLBI Exome Sequencing Project (ESP), and 1000 Genomes Project. In the ESP, this variant was not observed in 5150 samples (10300 alleles) with coverage at this position. To date, this alteration has been detected with an allele frequency of approximately 0.001% (greater than 125000 alleles tested) in our clinical cohort. This amino acid position is not well conserved in available vertebrate species. In addition, this alteration is predicted to be tolerated by in silico analysis. Since supporting evidence is limited at this time, the clinical significance of p.A429T remains unclear.